The following is an entry in ClinVar:

NM_206933.4(USH2A):c.12608A>G (p.Gln4203Arg)

Gene: USH2A (usherin; minus strand). Cytogenetic location: 1q41.
Variant type: single nucleotide variant.
Coding change: c.12608A>G on transcript NM_206933.4 (MANE Select); coding-DNA position 12608, A replaced by G.
Protein change: p.Gln4203Arg; replaces glutamine 4203 with arginine.
Molecular consequence: missense variant.
Genome position (GRCh38, 1-based): chr1:215,675,303, T>C on the plus strand (A>G on the coding strand, the complement: USH2A is on the minus strand). VCF-style: chr1-215675303-T-C. GRCh37 (hg19) VCF-style: chr1-215848645-T-C.
Other names: short protein forms Q4203R.
Identifiers: ClinVar variation 48402 (VCV000048402.46), dbSNP rs148556640, ClinGen allele CA143296.

ClinVar aggregate classification (germline): Benign. Review status: criteria provided, multiple submitters, no conflicts (2 of 4 stars). 9 submissions from 8 submitters: Benign (9). Last evaluated 2026-01-28.

Conditions:
Retinal dystrophy. Also called: Inherited retinal dystrophy. Identifiers: Orphanet 71862, MedGen C0854723, MeSH D058499, MONDO:0019118, HP:0000556.
Usher syndrome type 2A. Also called: USHER SYNDROME, TYPE IIA; RETINAL DISEASE IN USHER SYNDROME TYPE IIA, MODIFIER OF. Identifiers: Orphanet 231178, Orphanet 886, MedGen C1848634, MONDO:0010169, OMIM 276901.
Retinitis pigmentosa 39 (RP39). Identifiers: Orphanet 791, MedGen C3151138, MONDO:0013436, OMIM 613809.

Allele frequency attached by ClinVar (database versions not stated): ESP Exome Variant Server 0.00038; TOPMed 0.00047; gnomAD exomes 0.00200 and 0.00349; 1000 Genomes Project 30x 0.00219; gnomAD 0.00247 and 0.00260; 1000 Genomes Project 0.00280; ExAC 0.00354.
gnomAD v4.1: 3,279 of 1,614,126 alleles (0.2%); highest among the groups gnomAD compares: East Asian, 2.8%; 55 homozygotes.

Submissions (9):

Labcorp Genetics (formerly Invitae), Labcorp
Classification: Benign. Last evaluated: 2026-01-28. Review status: criteria provided, single submitter. Criteria: Invitae Variant Classification Sherloc (09022015). Collection method: clinical testing. Allele origin: germline.

Genome-Nilou Lab
Classification: Benign for Retinitis pigmentosa 39. Last evaluated: 2023-11-04. Review status: criteria provided, single submitter. Criteria: ACMG Guidelines, 2015. Collection method: clinical testing. Allele origin: germline. Affected: no.

Genome-Nilou Lab
Classification: Benign for Usher syndrome type 2A. Last evaluated: 2023-11-04. Review status: criteria provided, single submitter. Criteria: ACMG Guidelines, 2015. Collection method: clinical testing. Allele origin: germline. Affected: no.

Dept Of Ophthalmology, Nagoya University
Classification: Benign for Retinal dystrophy. Last evaluated: 2023-10-01. Review status: criteria provided, single submitter. Criteria: Submitter's publication. Collection method: research. Allele origin: germline. Affected: yes.

CeGaT Center for Human Genetics Tuebingen
Classification: Benign. Last evaluated: 2022-09-01. Review status: criteria provided, single submitter. Criteria: CeGaT Center For Human Genetics Tuebingen Variant Classification Criteria Version 2. Collection method: clinical testing. Allele origin: germline. Affected: yes. Observed: 1 variant allele.
Comment: USH2A: BP4, BS1, BS2

GeneDx
Classification: Benign. Last evaluated: 2019-07-05. Review status: criteria provided, single submitter. Criteria: GeneDx Variant Classification Process June 2021. Collection method: clinical testing. Allele origin: germline. Affected: yes.
Comment: This variant is associated with the following publications: (PMID: 19737284, 21835308, 25133751)

Eurofins Ntd Llc (ga)
Classification: Benign. Last evaluated: 2015-01-12. Review status: criteria provided, single submitter. Criteria: EGL Classification Definitions 2015. Collection method: clinical testing. Allele origin: germline. Observed: 1 variant allele, 1 heterozygote.

Laboratory for Molecular Medicine, Mass General Brigham Personalized Medicine
Classification: Benign. Last evaluated: 2012-09-11. Review status: criteria provided, single submitter. Criteria: LMM Criteria. Collection method: clinical testing. Allele origin: germline. Observed: 3 variant alleles.
Comment: Gln4203Arg in exon 63 of USH2A: This variant is not expected to have clinical si gnificance because it is has been identified in 3.4% (6/178) of Asian chromosome s in a broad population by the 1000 Genomes Project. (v/variation/tools/1000genomes/; dbSNP rs148556640).

Breakthrough Genomics
Classification: Benign. Review status: criteria provided, single submitter. Criteria: ACMG Guidelines, 2015. Collection method: not provided. Allele origin: germline. Inheritance: Autosomal recessive inheritance. Affected: yes.